The following is an entry in ClinVar:

NM_000222.3(KIT):c.1006G>A (p.Glu336Lys)

Gene: KIT (KIT proto-oncogene, receptor tyrosine kinase; plus strand). Cytogenetic location: 4q12.
Variant type: single nucleotide variant.
Coding change: c.1006G>A on transcript NM_000222.3 (MANE Select); coding-DNA position 1006, G replaced by A.
Protein change: p.Glu336Lys; replaces glutamic acid 336 with lysine.
Molecular consequence: missense variant.
Genome position (GRCh38, 1-based): chr4:54,707,178, G>A. VCF-style: chr4-54707178-G-A. GRCh37 (hg19) VCF-style: chr4-55573344-G-A.
Other names: c.1006G>A, p.Glu336Lys (NM_001385285.1, NM_001385286.1, NM_001093772.2); c.1009G>A, p.Glu337Lys (NM_001385288.1, NM_001385290.1, NM_001385292.1 and 1 more transcripts); short protein forms E336K, E337K.
Identifiers: ClinVar variation 2786039 (VCV002786039.3), dbSNP rs2475478736, ClinGen allele CA356900939.

ClinVar aggregate classification (germline): Uncertain significance (1 of 4 stars; one submission).

Conditions:
Gastrointestinal stromal tumor. Also called: Gastrointestinal stromal tumor, somatic; Gastrointestinal stroma tumor. Identifiers: Orphanet 44890, MedGen C0238198, MeSH D046152, MONDO:0011719, OMIM 606764, HP:0100723.

Submission:

Labcorp Genetics (formerly Invitae), Labcorp
Classification: Uncertain significance for Gastrointestinal stromal tumor. Last evaluated: 2023-11-01. Review status: criteria provided, single submitter. Criteria: Invitae Variant Classification Sherloc (09022015). Collection method: clinical testing. Allele origin: germline.
Comment: This sequence change replaces glutamic acid, which is acidic and polar, with lysine, which is basic and polar, at codon 336 of the KIT protein (p.Glu336Lys). This variant is not present in population databases (gnomAD no frequency). This variant has not been reported in the literature in individuals affected with KIT-related conditions. An algorithm developed to predict the effect of missense changes on protein structure and function (PolyPhen-2) suggests that this variant is likely to be tolerated. In summary, the available evidence is currently insufficient to determine the role of this variant in disease. Therefore, it has been classified as a Variant of Uncertain Significance.